The following is an entry in ClinVar:

ClinVar aggregate classification (germline): Conflicting classifications of pathogenicity. Review status: criteria provided, conflicting classifications (1 of 4 stars). 5 submissions from 5 submitters: Pathogenic (1); Likely pathogenic (2); Uncertain significance (2). Last evaluated 2026-03-19.

Conditions:
Hereditary cancer-predisposing syndrome. Also called: Hereditary Cancer Syndrome; Tumor predisposition; Hereditary neoplastic syndrome; Neoplastic Syndromes, Hereditary. Identifiers: Orphanet 140162, MedGen C0027672, MeSH D009386, MONDO:0015356.
Ataxia-telangiectasia syndrome (AT). Also called: Cerebello-oculocutaneous telangiectasia; Immunodeficiency with ataxia telangiectasia; Ataxia-telangiectasia, complementation group D; AT, COMPLEMENTATION GROUP C; ATAXIA-TELANGIECTASIA, COMPLEMENTATION GROUP A; ATAXIA-TELANGIECTASIA, FRESNO VARIANT. Identifiers: Orphanet 100, MedGen C0004135, MONDO:0008840, OMIM 208900.
ATM-related cancer predisposition. Also called: ATM-related cancer susceptibility. Identifiers: MedGen CN377759, MONDO:0700270.
Familial cancer of breast. Also called: hereditary breast carcinoma; Hereditary breast cancer; BREAST CANCER, FAMILIAL. Identifiers: Orphanet 227535, MedGen C0346153, MONDO:0016419, OMIM 114480. Disease mechanism: loss of function.

Allele frequency attached by ClinVar (database versions not stated): gnomAD exomes below 0.00001.
gnomAD v4.1: 1 of 1,611,658 alleles (0.000062%); highest among the groups gnomAD compares: Non-Finnish European, 0.000085%; no homozygotes.

Submissions (5):

Hema, HEMA – Genetic and Molecular Diagnostic Laboratory
Classification: Uncertain significance for ATM-related cancer predisposition. Last evaluated: 2026-03-19. Review status: criteria provided, single submitter. Criteria: HEMA Variant Classification Assertion Criteria. Collection method: clinical testing. Allele origin: germline.
Comment: The c.172G>T p.(Asp58Tyr) variant is a transversion from guanine to thymine, resulting in the substitution of aspartic acid 58 by tyrosine. PVS1_Strong (RNA): RNA studies demonstrate that the variant alters splicing, leading to truncated transcripts that result in a loss of function. However, experimental evidence indicates the production of approximately 16% of full-length transcript from the variant allele (PMID: 35806449). PM2_Supporting: Present at very low frequency in the gnomAD v4.1.0 database.

Department of Molecular Diagnostics, Institute of Oncology Ljubljana
Classification: Likely pathogenic for Familial cancer of breast. Last evaluated: 2026-01-01. Review status: criteria provided, single submitter. Criteria: ACMG Guidelines, 2015. Collection method: clinical testing. Allele origin: germline. Affected: yes.
Comment: ATM:c.172G>T variant is absent from the large population studies (GnomAd). The variant is predicted to create a de novo donor splice site in exon 3 by in silico splicing tools. Functional RNA study has shown that the variant causes an incomplete splicing aberration that causes the creation of a premature stop codon (PMID: 35806449). Additionally, the variant also produced a slightly expressed full-length transcript. Therefore the variant was classified as likely pathogenic (ACMG/AMP: PM2-supp, PVS1(RNA)-very strong)

Labcorp Genetics (formerly Invitae), Labcorp
Classification: Pathogenic for Ataxia-telangiectasia syndrome. Last evaluated: 2025-11-05. Review status: criteria provided, single submitter. Criteria: Invitae Variant Classification Sherloc (09022015). Collection method: clinical testing. Allele origin: germline.
Comment: This sequence change replaces aspartic acid, which is acidic and polar, with tyrosine, which is neutral and polar, at codon 58 of the ATM protein (p.Asp58Tyr). RNA analysis indicates that this missense change induces altered splicing and may result in an absent or altered protein product. This variant is not present in population databases (gnomAD no frequency). This missense change has been observed in individual(s) with breast cancer (PMID: 35806449). ClinVar contains an entry for this variant (Variation ID: 233820). Invitae Evidence Modeling of protein sequence and biophysical properties (such as structural, functional, and spatial information, amino acid conservation, physicochemical variation, residue mobility, and thermodynamic stability) has been performed for this missense variant. However, the output from this modeling did not meet the statistical confidence thresholds required to predict the impact of this variant on ATM protein function. Studies have shown that this missense change results in activation of a cryptic splice site, and produces a non-functional protein and/or introduces a premature termination codon (PMID: 35806449; internal data). For these reasons, this variant has been classified as Pathogenic.

Ambry Genetics
Classification: Likely pathogenic for Hereditary cancer-predisposing syndrome. Last evaluated: 2025-06-30. Review status: criteria provided, single submitter. Criteria: Ambry Variant Classification Scheme 2023. Collection method: clinical testing. Allele origin: germline.
Comment: The c.172G>T variant (also known as p.D58Y), located in coding exon 2 of the ATM gene, results from a G to T substitution at nucleotide position 172. The aspartic acid at codon 58 is replaced by tyrosine, an amino acid with highly dissimilar properties. This nucleotide position is highly conserved in available vertebrate species. In silico splice site analysis predicts that this alteration will result in the creation or strengthening of a novel splice donor site. RNA studies have demonstrated that this alteration results in abnormal splicing in the set of samples tested (Ambry internal data). This variant is considered to be rare based on population cohorts in the Genome Aggregation Database (gnomAD). Based on the majority of available evidence to date, this variant is likely to be pathogenic.

Color Diagnostics, LLC DBA Color Health
Classification: Uncertain significance for Hereditary cancer-predisposing syndrome. Last evaluated: 2023-02-09. Review status: criteria provided, single submitter. Criteria: ACMG Guidelines, 2015. Collection method: clinical testing. Allele origin: germline.
Comment: This missense variant replaces aspartic acid with tyrosine at codon 58 of the ATM protein. Computational prediction is inconclusive regarding the impact of this variant on protein structure and function (internally defined REVEL score threshold 0.5 < inconclusive < 0.7, PMID: 27666373). This variant has been reported to impact RNA splicing by an external laboratory, however, detailed data are not available for review (ClinVar SCV000278275.6). In addition, RNAseq studies showed abnormal splicing that resulted in a premature stop codon as well as some full-length transcript (PMID: 35806449). This variant has been reported in an individual affected with breast cancer (PMID: 35806449). This variant has not been identified in the general population by the Genome Aggregation Database (gnomAD). The available evidence is insufficient to determine the role of this variant in disease conclusively. Therefore, this variant is classified as a Variant of Uncertain Significance.

Literature cited by the submitters: PubMed 35806449 (cited by 4 submitters).

NM_000051.4(ATM):c.172G>T (p.Asp58Tyr)

Gene: ATM (ATM serine/threonine kinase; plus strand). Cytogenetic location: 11q22.3.
Variant type: single nucleotide variant.
Coding change: c.172G>T on transcript NM_000051.4 (MANE Select); coding-DNA position 172, G replaced by T.
Protein change: p.Asp58Tyr; replaces aspartic acid 58 with tyrosine.
Molecular consequence: missense variant.
Genome position (GRCh38, 1-based): chr11:108,227,875, G>T. VCF-style: chr11-108227875-G-T. GRCh37 (hg19) VCF-style: chr11-108098602-G-T.
Other names: c.172G>T, p.Asp58Tyr (NM_001351834.2, NM_001351835.2, NM_001351836.2); short protein forms D58Y.
Identifiers: ClinVar variation 233820 (VCV000233820.20), dbSNP rs876660661, ClinGen allele CA10578947.